The following is an entry in ClinVar:

NM_206933.4(USH2A):c.3055G>C (p.Gly1019Arg)

Genes: USH2A (usherin; minus strand), USH2A-AS1 (USH2A antisense RNA 1; plus strand). Cytogenetic location: 1q41.
Variant type: single nucleotide variant.
Coding change: c.3055G>C on transcript NM_206933.4 (MANE Select); coding-DNA position 3055, G replaced by C.
Protein change: p.Gly1019Arg; replaces glycine 1019 with arginine.
Molecular consequence: missense variant.
Genome position (GRCh38, 1-based): chr1:216,217,489, C>G on the plus strand (G>C on the coding strand, the complement: USH2A is on the minus strand). VCF-style: chr1-216217489-C-G. GRCh37 (hg19) VCF-style: chr1-216390831-C-G.
Other names: c.3055G>C, p.Gly1019Arg (NM_007123.6); short protein forms G1019R.
Identifiers: ClinVar variation 1402017 (VCV001402017.8), dbSNP rs1485822127, ClinGen allele CA344862896.

ClinVar aggregate classification (germline): Uncertain significance (1 of 4 stars; one submission).

gnomAD v4.1: 1 of 1,613,258 alleles (0.000062%); highest among the groups gnomAD compares: Non-Finnish European, 0.000085%; no homozygotes.

Submission:

Labcorp Genetics (formerly Invitae), Labcorp
Classification: Uncertain significance. Last evaluated: 2025-03-17. Review status: criteria provided, single submitter. Criteria: Invitae Variant Classification Sherloc (09022015). Collection method: clinical testing. Allele origin: germline.
Comment: This sequence change replaces glycine, which is neutral and non-polar, with arginine, which is basic and polar, at codon 1019 of the USH2A protein (p.Gly1019Arg). This variant is not present in population databases (gnomAD no frequency). This missense change has been observed in individual(s) with clinical features of retinitis pigmentosa (internal data). ClinVar contains an entry for this variant (Variation ID: 1402017). Invitae Evidence Modeling of protein sequence and biophysical properties (such as structural, functional, and spatial information, amino acid conservation, physicochemical variation, residue mobility, and thermodynamic stability) indicates that this missense variant is expected to disrupt USH2A protein function with a positive predictive value of 95%. In summary, the available evidence is currently insufficient to determine the role of this variant in disease. Therefore, it has been classified as a Variant of Uncertain Significance.